The following is an entry in ClinVar:

NC_000002.11:g.(?_169780132)_(169874635_?)del

Gene: ABCB11 (ATP binding cassette subfamily B member 11; minus strand). Cytogenetic location: 2q31.1.
Variant type: Deletion.
Identifiers: ClinVar variation 3247512 (VCV003247512.1).

ClinVar aggregate classification (germline): Pathogenic (1 of 4 stars; one submission).

Submission:

Labcorp Genetics (formerly Invitae), Labcorp
Classification: Pathogenic. Last evaluated: 2023-07-19. Review status: criteria provided, single submitter. Criteria: Invitae Variant Classification Sherloc (09022015). Collection method: clinical testing. Allele origin: unknown.
Comment: For these reasons, this variant has been classified as Pathogenic. A similar copy number variant has been observed in individual(s) with progressive familial intrahepatic cholestasis (PMID: 17452236). In at least one individual the data is consistent with being in trans (on the opposite chromosome) from a pathogenic variant. A gross deletion of the genomic region encompassing the full coding sequence of the ABCB11 gene has been identified. Loss-of-function variants in ABCB11 are known to be pathogenic (PMID: 18395098, 20232290). The boundaries of this event are unknown as they extend beyond the assayed region for this gene and therefore may encompass additional genes.

Literature cited by the submitters: PubMed 17452236; PubMed 18395098; PubMed 20232290.